The following is an entry in ClinVar:

ClinVar aggregate classification (germline): Uncertain significance. Review status: criteria provided, multiple submitters, no conflicts (2 of 4 stars). 4 submissions from 4 submitters: Uncertain significance (4). Last evaluated 2025-08-28.

Conditions:
Inborn genetic diseases. Identifiers: MedGen C0950123, MeSH D030342.

Allele frequency attached by ClinVar (database versions not stated): gnomAD 0.00007 and 0.00008; ESP Exome Variant Server 0.00008; TOPMed 0.00009; gnomAD exomes 0.00010 and 0.00012; ExAC 0.00017.
gnomAD v4.1: 159 of 1,591,766 alleles (0.01%); highest among the groups gnomAD compares: Non-Finnish European, 0.011%; no homozygotes.

Submissions (4):

Ambry Genetics
Classification: Uncertain significance for Inborn genetic diseases. Last evaluated: 2025-08-28. Review status: criteria provided, single submitter. Criteria: Ambry Variant Classification Scheme 2023. Collection method: clinical testing. Allele origin: germline.

Labcorp Genetics (formerly Invitae), Labcorp
Classification: Uncertain significance. Last evaluated: 2024-01-12. Review status: criteria provided, single submitter. Criteria: Invitae Variant Classification Sherloc (09022015). Collection method: clinical testing. Allele origin: germline.
Comment: This sequence change replaces methionine, which is neutral and non-polar, with isoleucine, which is neutral and non-polar, at codon 3580 of the HSPG2 protein (p.Met3580Ile). This variant is present in population databases (rs374473164, gnomAD 0.07%). This variant has not been reported in the literature in individuals affected with HSPG2-related conditions. ClinVar contains an entry for this variant (Variation ID: 1507548). An algorithm developed to predict the effect of missense changes on protein structure and function (PolyPhen-2) suggests that this variant¬†is likely to be tolerated. In summary, the available evidence is currently insufficient to determine the role of this variant in disease. Therefore, it has been classified as a Variant of Uncertain Significance.

CeGaT Center for Human Genetics Tuebingen
Classification: Uncertain significance. Last evaluated: 2023-10-01. Review status: criteria provided, single submitter. Criteria: CeGaT Center For Human Genetics Tuebingen Variant Classification Criteria Version 2. Collection method: clinical testing. Allele origin: germline. Affected: yes. Observed: 1 variant allele.
Comment: HSPG2: PM2, BP4

Revvity Omics, Revvity
Classification: Uncertain significance. Last evaluated: 2020-02-28. Review status: criteria provided, single submitter. Criteria: ACMG Guidelines, 2015. Collection method: clinical testing. Allele origin: germline.

NM_005529.7(HSPG2):c.10740G>A (p.Met3580Ile)

Gene: HSPG2 (heparan sulfate proteoglycan 2; minus strand). Cytogenetic location: 1p36.12.
Variant type: single nucleotide variant.
Coding change: c.10740G>A on transcript NM_005529.7 (MANE Select); coding-DNA position 10740, G replaced by A.
Protein change: p.Met3580Ile; replaces methionine 3580 with isoleucine.
Molecular consequence: missense variant.
Genome position (GRCh38, 1-based): chr1:21,833,906, C>T on the plus strand (G>A on the coding strand, the complement: HSPG2 is on the minus strand). VCF-style: chr1-21833906-C-T. GRCh37 (hg19) VCF-style: chr1-22160399-C-T.
Other names: c.10740G>A (NM_005529.5); c.10743G>A, p.Met3581Ile (NM_001291860.2); short protein forms M3581I, M3580I.
Identifiers: ClinVar variation 1507548 (VCV001507548.35), dbSNP rs374473164, ClinGen allele CA670027.
Genomic context (GRCh38, chr1:21,833,906, plus strand): 5'-GCCTGAGGCTATGCAGGGGAAGACAGCTGCAGAACCAGCAGGCACACGGACTTCTTGGGG[C>T]ATTGAGATCTGGGGCAAGGCTGAGAGGCATGGAAGAGACATAGGCCATCAACATGACAGT-3'
Protein context (NP_005520.4, residues 3570-3590): LLVQALPQIS[Met3580Ile]PQEVRVPAGS